The following is an entry in ClinVar:

NM_000122.2(ERCC3):c.1558C>T (p.Arg520Trp)

Gene: ERCC3 (ERCC excision repair 3, TFIIH core complex helicase subunit; minus strand). Cytogenetic location: 2q14.3.
Variant type: single nucleotide variant.
Coding change: c.1558C>T on transcript NM_000122.2 (MANE Select); coding-DNA position 1558, C replaced by T.
Protein change: p.Arg520Trp; replaces arginine 520 with tryptophan.
Molecular consequence: missense variant.
Genome position (GRCh38, 1-based): chr2:127,279,345, G>A on the plus strand (C>T on the coding strand, the complement: ERCC3 is on the minus strand). VCF-style: chr2-127279345-G-A. GRCh37 (hg19) VCF-style: chr2-128036921-G-A.
Other names: c.1366C>T, p.Arg456Trp (NM_001303416.2, NM_001303418.2); short protein forms R456W, R520W.
Identifiers: ClinVar variation 4538068 (VCV004538068.1).

ClinVar aggregate classification (germline): Uncertain significance (1 of 4 stars; one submission).

Submission:

GeneDx
Classification: Uncertain significance. Last evaluated: 2025-06-09. Review status: criteria provided, single submitter. Criteria: GeneDx Variant Classification Process June 2021. Collection method: clinical testing. Allele origin: germline. Affected: yes.
Comment: Not observed at significant frequency in large population cohorts (gnomAD); In silico analysis supports that this missense variant has a deleterious effect on protein structure/function; Has not been previously published as pathogenic or benign to our knowledge